The following is an entry in ClinVar:

ClinVar aggregate classification (germline): Benign. Review status: criteria provided, single submitter (1 of 4 stars). 2 submissions from 2 submitters: Benign (1). 1 of the submissions does not count toward it. Last evaluated 2024-10-23.

Conditions:
ATP2B2-related disorder. Also called: ATP2B2-related condition.

Allele frequency attached by ClinVar (database versions not stated): gnomAD exomes 0.00076; ESP Exome Variant Server 0.00938; 1000 Genomes Project 0.01038; 1000 Genomes Project 30x 0.01093; ExAC 0.00269; gnomAD 0.00823; TOPMed 0.00919.
gnomAD v4.1: 2,417 of 1,613,804 alleles (0.15%); highest among the groups gnomAD compares: African/African-American, 2.7%; 25 homozygotes.

Submissions (2):

Mayo Clinic Laboratories, Mayo Clinic
Classification: Benign. Last evaluated: 2024-10-23. Review status: criteria provided, single submitter. Criteria: ACMG Guidelines, 2015. Collection method: clinical testing. Allele origin: germline. Observed: 1 variant allele.
Comment: BA1, BS2, BP4, BP7

PreventionGenetics, part of Exact Sciences
Classification: Benign for ATP2B2-related condition. Last evaluated: 2019-08-01. Review status: no assertion criteria provided. Collection method: clinical testing. Allele origin: germline. Not counted in ClinVar's aggregate classification.
Comment: This variant is classified as benign based on ACMG/AMP sequence variant interpretation guidelines (Richards et al. 2015 PMID: 25741868, with internal and published modifications).

NM_001001331.4(ATP2B2):c.954G>A (p.Ala318=)

Gene: ATP2B2 (ATPase plasma membrane Ca2+ transporting 2; minus strand). Cytogenetic location: 3p25.3.
Variant type: single nucleotide variant.
Coding change: c.954G>A on transcript NM_001001331.4 (MANE Select); coding-DNA position 954, G replaced by A.
Protein change: p.Ala318=; no amino-acid change (alanine 318 retained).
Molecular consequence: synonymous variant. On other transcripts: intron variant (4).
Genome position (GRCh38, 1-based): chr3:10,385,314, C>T on the plus strand (G>A on the coding strand, the complement: ATP2B2 is on the minus strand). VCF-style: chr3-10385314-C-T. GRCh37 (hg19) VCF-style: chr3-10426998-C-T.
Other names: p.Ala318=; c.907+2963G>A (NM_001353564.1, NM_001683.5, NM_001330611.3 and 1 more transcripts).
Identifiers: ClinVar variation 3033551 (VCV003033551.3), dbSNP rs150252720, ClinGen allele CA2253824.